The following is an entry in ClinVar:

NM_006618.5(KDM5B):c.968G>A (p.Arg323Gln)

Gene: KDM5B (lysine demethylase 5B; minus strand). Cytogenetic location: 1q32.1.
Variant type: single nucleotide variant.
Coding change: c.968G>A on transcript NM_006618.5 (MANE Select); coding-DNA position 968, G replaced by A.
Protein change: p.Arg323Gln; replaces arginine 323 with glutamine.
Molecular consequence: missense variant.
Genome position (GRCh38, 1-based): chr1:202,760,524, C>T on the plus strand (G>A on the coding strand, the complement: KDM5B is on the minus strand). VCF-style: chr1-202760524-C-T. GRCh37 (hg19) VCF-style: chr1-202729652-C-T.
Other names: c.1076G>A, p.Arg359Gln (NM_001314042.2); c.833G>A, p.Arg278Gln (NM_001347591.2); c.953G>A, p.Arg318Gln (NM_001399817.1); short protein forms R359Q, R278Q, R323Q, R318Q.
Identifiers: ClinVar variation 4987957 (VCV004987957.1).
Genomic context (GRCh38, chr1:202,760,524, plus strand): 5'-AGAGGTGGGATCAAGCAAAAGGTATGGTAACTGTCATCACAGCCATCACACAACAGTAGC[C>T]GGTCTTCATCATTGCCACTGCCACATAAAAGACAGACATACAGGTCCACCTGTAGCAATA-3'
Protein context (NP_006609.3, residues 313-333): LLCGSGNDED[Arg323Gln]LLLCDGCDDS

ClinVar aggregate classification (germline): Uncertain significance (1 of 4 stars; one submission).

Conditions:
KDM5B-related disorder. Also called: KDM5B-related condition.

gnomAD v4.1: 13 of 1,612,884 alleles (0.00081%); highest among the groups gnomAD compares: South Asian, 0.0022%; no homozygotes.

Submission:

PreventionGenetics, part of Exact Sciences
Classification: Uncertain significance for KDM5B-related condition. Last evaluated: 2024-12-04. Review status: criteria provided, single submitter. Criteria: ACMG Guidelines, 2015. Collection method: clinical testing. Allele origin: germline.
Comment: The KDM5B c.968G>A variant is predicted to result in the amino acid substitution p.Arg323Gln. This variant has been reported in an individual with congenital heart defects (case DP60 in Supplemental Table S5, Meerschaut et al. 2022. PubMed ID: 35885997). This variant is reported in 0.0039% of alleles in individuals of European (Non-Finnish) descent in gnomAD. At this time, the clinical significance of this variant is uncertain due to the absence of conclusive functional and genetic evidence.